The following is an entry in ClinVar:

ClinVar aggregate classification (germline): Likely pathogenic (1 of 4 stars; one submission).

Conditions:
Congenital disorder of deglycosylation (CDDG). Identifiers: MedGen C3808991, MONDO:0031376.

Allele frequency attached by ClinVar (database versions not stated): gnomAD exomes below 0.00001.

Submission:

Labcorp Genetics (formerly Invitae), Labcorp
Classification: Likely pathogenic for Congenital disorder of deglycosylation. Last evaluated: 2023-11-28. Review status: criteria provided, single submitter. Criteria: Invitae Variant Classification Sherloc (09022015). Collection method: clinical testing. Allele origin: germline.
Comment: This sequence change affects an acceptor splice site in intron 3 of the NGLY1 gene. It is expected to disrupt RNA splicing. Variants that disrupt the donor or acceptor splice site typically lead to a loss of protein function (PMID: 16199547), and loss-of-function variants in NGLY1 are known to be pathogenic (PMID: 24651605). This variant is not present in population databases (gnomAD no frequency). This variant has not been reported in the literature in individuals affected with NGLY1-related conditions. Algorithms developed to predict the effect of sequence changes on RNA splicing suggest that this variant may disrupt the consensus splice site. In summary, the currently available evidence indicates that the variant is pathogenic, but additional data are needed to prove that conclusively. Therefore, this variant has been classified as Likely Pathogenic.

Literature cited by the submitters: PubMed 16199547; PubMed 24651605.

NM_018297.4(NGLY1):c.493-2A>G

Gene: NGLY1 (N-glycanase 1; minus strand). Cytogenetic location: 3p24.2.
Variant type: single nucleotide variant.
Coding change: c.493-2A>G on transcript NM_018297.4 (MANE Select); the canonical splice acceptor site of the intron before coding-DNA position 493, A replaced by G.
Molecular consequence: splice acceptor variant.
Genome position (GRCh38, 1-based): chr3:25,751,265, T>C on the plus strand (A>G on the coding strand, the complement: NGLY1 is on the minus strand). VCF-style: chr3-25751265-T-C. GRCh37 (hg19) VCF-style: chr3-25792756-T-C.
Other names: c.367-2A>G (NM_001145294.2); c.493-2A>G (NM_001145295.2, NM_001145293.2).
Identifiers: ClinVar variation 2775519 (VCV002775519.3), dbSNP rs1353485252, ClinGen allele CA351906543.